The following is an entry in ClinVar:

ClinVar aggregate classification (germline): Uncertain significance (1 of 4 stars; one submission).

Conditions:
Mitochondrial complex II deficiency, nuclear type 1. Also called: SUCCINATE CoQ REDUCTASE DEFICIENCY. Identifiers: Orphanet 3208, MedGen C5700310, MONDO:0100294, OMIM 252011.
Pheochromocytoma/paraganglioma syndrome 5. Also called: Paragangliomas 5; SDHA-Related Hereditary Paraganglioma-Pheochromocytoma Syndrome. Identifiers: Orphanet 29072, MedGen C3279992, MONDO:0013602, OMIM 614165.

Submission:

Labcorp Genetics (formerly Invitae), Labcorp
Classification: Uncertain significance for Pheochromocytoma/paraganglioma syndrome 5; Mitochondrial complex II deficiency, nuclear type 1. Last evaluated: 2022-03-03. Review status: criteria provided, single submitter. Criteria: Invitae Variant Classification Sherloc (09022015). Collection method: clinical testing. Allele origin: germline.
Comment: In summary, the available evidence is currently insufficient to determine the role of this variant in disease. Therefore, it has been classified as a Variant of Uncertain Significance. Advanced modeling of protein sequence and biophysical properties (such as structural, functional, and spatial information, amino acid conservation, physicochemical variation, residue mobility, and thermodynamic stability) performed at Invitae indicates that this missense variant is not expected to disrupt SDHA protein function. ClinVar contains an entry for this variant (Variation ID: 1023800). This variant has not been reported in the literature in individuals affected with SDHA-related conditions. This variant is not present in population databases (gnomAD no frequency). This sequence change replaces methionine, which is neutral and non-polar, with isoleucine, which is neutral and non-polar, at codon 515 of the SDHA protein (p.Met515Ile).

NM_004168.4(SDHA):c.1545G>T (p.Met515Ile)

Gene: SDHA (succinate dehydrogenase complex flavoprotein subunit A; plus strand). Cytogenetic location: 5p15.33.
Variant type: single nucleotide variant.
Coding change: c.1545G>T on transcript NM_004168.4 (MANE Select); coding-DNA position 1545, G replaced by T.
Protein change: p.Met515Ile; replaces methionine 515 with isoleucine.
Molecular consequence: missense variant.
Genome position (GRCh38, 1-based): chr5:240,470, G>T. VCF-style: chr5-240470-G-T. GRCh37 (hg19) VCF-style: chr5-240585-G-T.
Other names: c.1401G>T, p.Met467Ile (NM_001294332.2); c.1545G>T, p.Met515Ile (NM_001330758.2); short protein forms M467I, M515I.
Identifiers: ClinVar variation 1023800 (VCV001023800.9), dbSNP rs1736069479, ClinGen allele CA359014393.